The following is an entry in ClinVar:

NM_003742.4(ABCB11):c.3438del (p.Lys1146_Val1147insTer)

Gene: ABCB11 (ATP binding cassette subfamily B member 11; minus strand). Cytogenetic location: 2q31.1.
Variant type: Deletion.
Coding change: c.3438del on transcript NM_003742.4 (MANE Select); coding-DNA position 3438, one base deleted (A; older notation c.3438delA).
Protein change: p.Lys1146_Val1147insTer.
Molecular consequence: frameshift variant.
Genome position (GRCh38, 1-based): chr2:168,927,336, T deleted on the plus strand (A on the coding strand, the reverse complement: ABCB11 is on the minus strand); the first of 6 consecutive T bases (chr2:168,927,336-168,927,341); deleting any one gives the same sequence. VCF-style (leftmost placement, unchanged base first): chr2-168927335-CT-C. GRCh37 (hg19) VCF-style: chr2-169783845-CT-C.
Other names: NM_003742.4(ABCB11):c.3438del; p.Lys1146_Val1147insTer.
Identifiers: ClinVar variation 2203209 (VCV002203209.6), dbSNP rs1162933116, ClinGen allele CA760446199.

ClinVar aggregate classification (germline): Pathogenic. Review status: criteria provided, multiple submitters, no conflicts (2 of 4 stars). 3 submissions from 3 submitters: Pathogenic (3). Last evaluated 2026-04-14.

Conditions:
Progressive familial intrahepatic cholestasis type 2. Identifiers: Orphanet 79304, MedGen C3489789, MONDO:0011156, OMIM 601847.
Familial intrahepatic cholestasis. Identifiers: Orphanet 284385, MedGen CN296401, MONDO:0017290.

Submissions (3):

Genomenon, Inc
Classification: Pathogenic for Familial intrahepatic cholestasis. Last evaluated: 2026-04-14. Review status: criteria provided, single submitter. Criteria: Genomenon Sequence Variant Interpretation Standards - Updated. Collection method: curation. Allele origin: germline. Affected: yes.
Comment: ABCB11 p.Val1147Ter (c.3438del) is a nonsense variant that introduces a premature stop codon at amino acid position 1147, creating a truncated protein that is predicted to undergo nonsense-mediated mRNA decay. This variant has been observed in at least one proband with an ABCB11-related disorder (PMID:18395098;32651076). It is absent or not present at a significant frequency in gnomAD. In conclusion, we classify ABCB11 p.Val1147Ter (c.3438del) as a pathogenic variant.

Broad Center for Mendelian Genomics, Broad Institute of MIT and Harvard
Classification: Pathogenic for Progressive familial intrahepatic cholestasis type 2. Last evaluated: 2025-01-23. Review status: criteria provided, single submitter. Criteria: ACMG Guidelines, 2015. Collection method: curation. Allele origin: germline. Inheritance: Autosomal recessive inheritance.
Comment: The p.Val1147Ter variant in ABCB11 has been reported, in the compound heterozygous state, in at least 1 individual with BSEP deficiency (Variation ID: 6590; PMID: 18395098, 35894240), and has been identified in 0.0006% (7/1179768) of European (non-Finnish) chromosomes by the Genome Aggregation Database (gnomAD; dbSNP rs1162933116). Although this variant has been seen in the general population in a heterozygous state, its frequency is low enough to be consistent with a recessive carrier frequency. It is of note that this variant occurs in a homopolymer repeat, which could indicate that it exists as an artifact from sequencing. However, disease-causing variants have been reported in homopolymer regions, so this is not enough to rule out a pathogenic role. This variant has also been reported in ClinVar (Variation ID: 2203209 ) and has been interpreted as pathogenic by Invitae. This variant is predicted to cause a frameshift, which alters the protein‚Äôs amino acid sequence beginning at position 1147 and leads to a premature termination codon in the same amino acid. This alteration is then predicted to lead to a truncated or absent protein. Loss of function of the ABCB11 gene is an established disease mechanism in autosomal recessive BSEP deficiency. In summary, this variant meets criteria to be classified as pathogenic for autosomal recessive BSEP deficiency. ACMG/AMP criteria applied: PVS1, PM3, PM2_supporting (Richards 2015).

Labcorp Genetics (formerly Invitae), Labcorp
Classification: Pathogenic. Last evaluated: 2022-09-18. Review status: criteria provided, single submitter. Criteria: Invitae Variant Classification Sherloc (09022015). Collection method: clinical testing. Allele origin: germline.
Comment: This premature translational stop signal has been observed in individual(s) with cholestasis (PMID: 18395098). This variant is not present in population databases (gnomAD no frequency). This sequence change creates a premature translational stop signal (p.Val1147*) in the ABCB11 gene. It is expected to result in an absent or disrupted protein product. Loss-of-function variants in ABCB11 are known to be pathogenic (PMID: 18395098, 20232290). For these reasons, this variant has been classified as Pathogenic.

Literature cited by the submitters: PubMed 18395098 (cited by Genomenon, Inc and Labcorp Genetics (formerly Invitae), Labcorp); PubMed 32651076 (cited by Genomenon, Inc); PubMed 20232290 (cited by Labcorp Genetics (formerly Invitae), Labcorp).